The following is an entry in ClinVar:

NM_001376.5(DYNC1H1):c.12857G>A (p.Cys4286Tyr)

Gene: DYNC1H1 (dynein cytoplasmic 1 heavy chain 1; plus strand). Cytogenetic location: 14q32.31.
Variant type: single nucleotide variant.
Coding change: c.12857G>A on transcript NM_001376.5 (MANE Select); coding-DNA position 12857, G replaced by A.
Protein change: p.Cys4286Tyr; replaces cysteine 4286 with tyrosine.
Molecular consequence: missense variant.
Genome position (GRCh38, 1-based): chr14:102,044,446, G>A. VCF-style: chr14-102044446-G-A. GRCh37 (hg19) VCF-style: chr14-102510783-G-A.
Other names: short protein forms C4286Y.
Identifiers: ClinVar variation 3626692 (VCV003626692.2).
Genomic context (GRCh38, chr14:102,044,446, plus strand): 5'-ACACCTTCCTGGAGCGCCTGTTCACAACCAGGAGTTTCGACAGTGAGTTTAAGCTGGCAT[G>A]CAAGGTCGACGGACATAAAGACATTCAAATGCCAGATGGCATCAGGTATGCTGCTGCCTG-3'
Protein context (NP_001367.2, residues 4276-4296): RSFDSEFKLA[Cys4286Tyr]KVDGHKDIQM

ClinVar aggregate classification (germline): Uncertain significance (1 of 4 stars; one submission).

Conditions:
Charcot-Marie-Tooth disease axonal type 2O. Also called: Charcot-Marie-Tooth disease, axonal, type 20; CHARCOT-MARIE-TOOTH NEUROPATHY, AXONAL, TYPE 2O; CHARCOT-MARIE-TOOTH DISEASE, AXONAL, AUTOSOMAL DOMINANT, TYPE 2O; Charcot-Marie-Tooth Neuropathy Type 2O. Identifiers: Orphanet 284232, MedGen C3280220, MONDO:0013644, OMIM 614228.

gnomAD v4.1: 5 of 1,614,098 alleles (0.00031%); highest among the groups gnomAD compares: Non-Finnish European, 0.00042%; no homozygotes.

Submission:

Labcorp Genetics (formerly Invitae), Labcorp
Classification: Uncertain significance for Charcot-Marie-Tooth disease axonal type 2O. Last evaluated: 2024-11-27. Review status: criteria provided, single submitter. Criteria: Invitae Variant Classification Sherloc (09022015). Collection method: clinical testing. Allele origin: germline.
Comment: This sequence change replaces cysteine, which is neutral and slightly polar, with tyrosine, which is neutral and polar, at codon 4286 of the DYNC1H1 protein (p.Cys4286Tyr). This variant is not present in population databases (gnomAD no frequency). This variant has not been reported in the literature in individuals affected with DYNC1H1-related conditions. Invitae Evidence Modeling of protein sequence and biophysical properties (such as structural, functional, and spatial information, amino acid conservation, physicochemical variation, residue mobility, and thermodynamic stability) indicates that this missense variant is not expected to disrupt DYNC1H1 protein function with a negative predictive value of 95%. In summary, the available evidence is currently insufficient to determine the role of this variant in disease. Therefore, it has been classified as a Variant of Uncertain Significance.